The following is an entry in ClinVar:

ClinVar aggregate classification (germline): Uncertain significance (1 of 4 stars; one submission).

Conditions:
Severe early-onset pulmonary alveolar proteinosis due to MARS deficiency. Also called: PULMONARY ALVEOLAR PROTEINOSIS, REUNION ISLAND; Interstitial lung and liver disease. Identifiers: Orphanet 440427, MedGen C4225400, MONDO:0014206, OMIM 615486.
Charcot-Marie-Tooth disease axonal type 2U. Also called: CHARCOT-MARIE-TOOTH NEUROPATHY, TYPE 2U; CHARCOT-MARIE-TOOTH DISEASE, AXONAL, AUTOSOMAL DOMINANT, TYPE 2U. Identifiers: Orphanet 397735, MedGen C4084821, MONDO:0014566, OMIM 616280.

Submission:

Labcorp Genetics (formerly Invitae), Labcorp
Classification: Uncertain significance for Charcot-Marie-Tooth disease axonal type 2U; Severe early-onset pulmonary alveolar proteinosis due to MARS deficiency. Last evaluated: 2025-11-27. Review status: criteria provided, single submitter. Criteria: Invitae Variant Classification Sherloc (09022015). Collection method: clinical testing. Allele origin: germline.
Comment: This sequence change replaces arginine, which is basic and polar, with lysine, which is basic and polar, at codon 214 of the MARS protein (p.Arg214Lys). This variant is not present in population databases (gnomAD no frequency). This variant has not been reported in the literature in individuals affected with MARS-related conditions. An algorithm developed to predict the effect of missense changes on protein structure and function outputs the following: PolyPhen-2: "Benign". The lysine amino acid residue is found in multiple mammalian species, which suggests that this missense change does not adversely affect protein function. In summary, the available evidence is currently insufficient to determine the role of this variant in disease. Therefore, it has been classified as a Variant of Uncertain Significance.

NM_004990.4(MARS1):c.641G>A (p.Arg214Lys)

Gene: MARS1 (methionyl-tRNA synthetase 1; plus strand). Cytogenetic location: 12q13.3.
Variant type: single nucleotide variant.
Coding change: c.641G>A on transcript NM_004990.4 (MANE Select); coding-DNA position 641, G replaced by A.
Protein change: p.Arg214Lys; replaces arginine 214 with lysine.
Molecular consequence: missense variant.
Genome position (GRCh38, 1-based): chr12:57,490,357, G>A. VCF-style: chr12-57490357-G-A. GRCh37 (hg19) VCF-style: chr12-57884140-G-A.
Other names: short protein forms R214K.
Identifiers: ClinVar variation 4785392 (VCV004785392.1).